The following is an entry in ClinVar:

ClinVar aggregate classification (germline): Uncertain significance (1 of 4 stars; one submission).

Conditions:
Hereditary cancer-predisposing syndrome. Also called: Neoplastic Syndromes, Hereditary; Tumor predisposition; Hereditary neoplastic syndrome; Hereditary Cancer Syndrome. Identifiers: Orphanet 140162, MedGen C0027672, MeSH D009386, MONDO:0015356.

gnomAD v4.1: 3 of 1,613,448 alleles (0.00019%); highest among the groups gnomAD compares: Non-Finnish European, 0.00025%; no homozygotes.

Submission:

Ambry Genetics
Classification: Uncertain significance for Hereditary cancer-predisposing syndrome. Last evaluated: 2023-11-16. Review status: criteria provided, single submitter. Criteria: Ambry Variant Classification Scheme 2023. Collection method: clinical testing. Allele origin: germline.
Comment: The c.996+3T>C intronic variant results from a T to C substitution 3 nucleotides after coding exon 9 in the FANCC gene. This nucleotide position is not well conserved in available vertebrate species. In silico splice site analysis predicts that this alteration will not have any significant effect on splicing. Since supporting evidence is limited at this time, the clinical significance of this alteration remains unclear.

NM_000136.3(FANCC):c.996+3T>C

Genes: FANCC (FA complementation group C; minus strand), AOPEP (aminopeptidase O (putative); plus strand). Cytogenetic location: 9q22.32.
Variant type: single nucleotide variant.
Coding change: c.996+3T>C on transcript NM_000136.3 (MANE Select); 3 bases into the intron after coding-DNA position 996, T replaced by C.
Molecular consequence: intron variant.
Genome position (GRCh38, 1-based): chr9:95,125,083, A>G on the plus strand (T>C on the coding strand, the complement: FANCC is on the minus strand). VCF-style: chr9-95125083-A-G. GRCh37 (hg19) VCF-style: chr9-97887365-A-G.
Other names: c.996+3T>C (NM_001243743.2, NM_001243744.2).
Identifiers: ClinVar variation 3230405 (VCV003230405.1), dbSNP rs2541136345, ClinGen allele CA2690790573.